The following is an entry in ClinVar:

NM_017514.5(PLXNA3):c.286A>G (p.Ile96Val)

Gene: PLXNA3 (plexin A3; plus strand). Cytogenetic location: Xq28.
Variant type: single nucleotide variant.
Coding change: c.286A>G on transcript NM_017514.5 (MANE Select); coding-DNA position 286, A replaced by G.
Protein change: p.Ile96Val; replaces isoleucine 96 with valine.
Molecular consequence: missense variant.
Genome position (GRCh38, 1-based): chrX:154,460,469, A>G. VCF-style: chrX-154460469-A-G. GRCh37 (hg19) VCF-style: chrX-153688809-A-G.
Other names: short protein forms I96V.
Identifiers: ClinVar variation 4978486 (VCV004978486.1).

ClinVar aggregate classification (germline): Uncertain significance (1 of 4 stars; one submission).

Conditions:
PLXNA3-related disorder. Also called: PLXNA3-related condition.

gnomAD v4.1: 1 of 1,206,546 alleles (0.000083%); highest among the groups gnomAD compares: Non-Finnish European, 0.00011%; no homozygotes.

Submission:

PreventionGenetics, part of Exact Sciences
Classification: Uncertain significance for PLXNA3-related condition. Last evaluated: 2026-03-12. Review status: criteria provided, single submitter. Criteria: ACMG Guidelines, 2015. Collection method: clinical testing. Allele origin: germline.
Comment: The PLXNA3 c.286A>G variant is predicted to result in the amino acid substitution p.Ile96Val. To our knowledge, this variant has not been reported in the literature or in a large population database (gnomAD), indicating this variant is rare. At this time, the clinical significance of this variant is uncertain due to the absence of conclusive functional and genetic evidence.